The following is an entry in ClinVar:

ClinVar aggregate classification (germline): Uncertain significance (1 of 4 stars; one submission).

Submission:

Labcorp Genetics (formerly Invitae), Labcorp
Classification: Uncertain significance. Last evaluated: 2022-10-23. Review status: criteria provided, single submitter. Criteria: Invitae Variant Classification Sherloc (09022015). Collection method: clinical testing. Allele origin: germline.
Comment: This sequence change replaces cysteine, which is neutral and slightly polar, with tyrosine, which is neutral and polar, at codon 1508 of the MYO5B protein (p.Cys1508Tyr). This variant is not present in population databases (gnomAD no frequency). This variant has not been reported in the literature in individuals affected with MYO5B-related conditions. Advanced modeling of protein sequence and biophysical properties (such as structural, functional, and spatial information, amino acid conservation, physicochemical variation, residue mobility, and thermodynamic stability) performed at Invitae indicates that this missense variant is expected to disrupt MYO5B protein function. In summary, the available evidence is currently insufficient to determine the role of this variant in disease. Therefore, it has been classified as a Variant of Uncertain Significance.

NM_001080467.3(MYO5B):c.4523G>A (p.Cys1508Tyr)

Genes: MYO5B (myosin VB; minus strand), SNHG22 (small nucleolar RNA host gene 22; plus strand). Cytogenetic location: 18q21.1.
Variant type: single nucleotide variant.
Coding change: c.4523G>A on transcript NM_001080467.3 (MANE Select); coding-DNA position 4523, G replaced by A.
Protein change: p.Cys1508Tyr; replaces cysteine 1508 with tyrosine.
Molecular consequence: missense variant.
Genome position (GRCh38, 1-based): chr18:49,843,329, C>T on the plus strand (G>A on the coding strand, the complement: MYO5B is on the minus strand). VCF-style: chr18-49843329-C-T. GRCh37 (hg19) VCF-style: chr18-47369699-C-T.
Other names: short protein forms C1508Y.
Identifiers: ClinVar variation 2092619 (VCV002092619.4), dbSNP rs2511238370, ClinGen allele CA402425398.
Genomic context (GRCh38, chr18:49,843,329, plus strand): 5'-GTGGAGGTCAGCAGGGAGTGCACCTTGAGATCGTCGTTGGTGTAGTCCGCGTGCCGGATG[C>T]ACATGTAGAGGATGTAGGCGGGGAGACAGGGCACTGTGCCCGACAGCATCTGGGGCTTCA-3'
Protein context (NP_001073936.1, residues 1498-1518): PCLPAYILYM[Cys1508Tyr]IRHADYTNDD